The following is an entry in ClinVar:

ClinVar aggregate classification (germline): Uncertain significance (1 of 4 stars; one submission).

Submission:

Women's Health and Genetics/Laboratory Corporation of America, LabCorp
Classification: Uncertain significance. Last evaluated: 2025-02-06. Review status: criteria provided, single submitter. Criteria: LabCorp Variant Classification Summary - May 2015. Collection method: clinical testing. Allele origin: germline.
Comment: Variant summary: BCL11B c.1972T>A (p.Phe658Ile) results in a non-conservative amino acid change in the encoded protein sequence. Three of five in-silico tools predict a benign effect of the variant on protein function. The variant was absent in 1204188 control chromosomes. The available data on variant occurrences in the general population are insufficient to allow any conclusion about variant significance. To our knowledge, no occurrence of c.1972T>A in individuals affected with BCL11B-Related Disorders and no experimental evidence demonstrating its impact on protein function have been reported. No submitters have cited clinical-significance assessments for this variant to ClinVar. Based on the evidence outlined above, the variant was classified as uncertain significance.

NM_138576.4(BCL11B):c.1972T>A (p.Phe658Ile)

Gene: BCL11B (BCL11 transcription factor B; minus strand). Cytogenetic location: 14q32.2.
Variant type: single nucleotide variant.
Coding change: c.1972T>A on transcript NM_138576.4 (MANE Select); coding-DNA position 1972, T replaced by A.
Protein change: p.Phe658Ile; replaces phenylalanine 658 with isoleucine.
Molecular consequence: missense variant.
Genome position (GRCh38, 1-based): chr14:99,174,864, A>T on the plus strand (T>A on the coding strand, the complement: BCL11B is on the minus strand). VCF-style: chr14-99174864-A-T. GRCh37 (hg19) VCF-style: chr14-99641201-A-T.
Other names: c.1969T>A, p.Phe657Ile (NM_001282237.2); c.1756T>A, p.Phe586Ile (NM_001282238.2); c.1759T>A, p.Phe587Ile (NM_022898.3); short protein forms F586I, F587I, F657I, F658I.
Identifiers: ClinVar variation 3768720 (VCV003768720.1).
Genomic context (GRCh38, chr14:99,174,864, plus strand): 5'-TGGGCAGCGGCGCGGGCTTGCGCGGGAAGAGCCCGGGGAAGGGCTCGGTGCCTGGCGCGA[A>T]GCCGCCCCCGCGCCCGTTGACCGCGCCGCCCGCGCCCGCGTCCCCGCAGCCGCCCGCGTC-3'
Protein context (NP_612808.1, residues 648-668): GGAVNGRGGG[Phe658Ile]APGTEPFPGL